The following is an entry in ClinVar:

NM_003620.4(PPM1D):c.970G>A (p.Asp324Asn)

Gene: PPM1D (protein phosphatase, Mg2+/Mn2+ dependent 1D; plus strand). Cytogenetic location: 17q23.2.
Variant type: single nucleotide variant.
Coding change: c.970G>A on transcript NM_003620.4 (MANE Select); coding-DNA position 970, G replaced by A.
Protein change: p.Asp324Asn; replaces aspartic acid 324 with asparagine.
Molecular consequence: missense variant.
Genome position (GRCh38, 1-based): chr17:60,648,035, G>A. VCF-style: chr17-60648035-G-A. GRCh37 (hg19) VCF-style: chr17-58725396-G-A.
Other names: short protein forms D324N.
Identifiers: ClinVar variation 3706051 (VCV003706051.2).

ClinVar aggregate classification (germline): Uncertain significance (1 of 4 stars; one submission).

Submission:

Labcorp Genetics (formerly Invitae), Labcorp
Classification: Uncertain significance. Last evaluated: 2024-03-22. Review status: criteria provided, single submitter. Criteria: Invitae Variant Classification Sherloc (09022015). Collection method: clinical testing. Allele origin: germline.
Comment: This sequence change replaces aspartic acid, which is acidic and polar, with asparagine, which is neutral and polar, at codon 324 of the PPM1D protein (p.Asp324Asn). This variant is not present in population databases (gnomAD no frequency). This variant has not been reported in the literature in individuals affected with PPM1D-related conditions. An algorithm developed to predict the effect of missense changes on protein structure and function (PolyPhen-2) suggests that this variant is likely to be disruptive. In summary, the available evidence is currently insufficient to determine the role of this variant in disease. Therefore, it has been classified as a Variant of Uncertain Significance.